The following is an entry in ClinVar:

ClinVar aggregate classification (germline): Uncertain significance (1 of 4 stars; one submission).

Conditions:
Long QT syndrome (LQTS). Identifiers: MedGen C0023976, MeSH D008133, MONDO:0002442. Disease mechanism: loss of function. Inheritance: Various modes of inheritance.

gnomAD v4.1: 1 of 1,614,132 alleles (0.000062%); no homozygotes.

Submission:

Labcorp Genetics (formerly Invitae), Labcorp
Classification: Uncertain significance for Long QT syndrome. Last evaluated: 2022-07-25. Review status: criteria provided, single submitter. Criteria: Invitae Variant Classification Sherloc (09022015). Collection method: clinical testing. Allele origin: germline.
Comment: This variant has not been reported in the literature in individuals affected with CAV3-related conditions. This variant is not present in population databases (gnomAD no frequency). This sequence change replaces cysteine, which is neutral and slightly polar, with serine, which is neutral and polar, at codon 94 of the CAV3 protein (p.Cys94Ser). ClinVar contains an entry for this variant (Variation ID: 952867). In summary, the available evidence is currently insufficient to determine the role of this variant in disease. Therefore, it has been classified as a Variant of Uncertain Significance. Algorithms developed to predict the effect of missense changes on protein structure and function (SIFT, PolyPhen-2, Align-GVGD) all suggest that this variant is likely to be tolerated.

NM_033337.3(CAV3):c.281G>C (p.Cys94Ser)

Genes: CAV3 (caveolin 3; plus strand), OXTR (oxytocin receptor; minus strand). Cytogenetic location: 3p25.3.
Variant type: single nucleotide variant.
Coding change: c.281G>C on transcript NM_033337.3 (MANE Select); coding-DNA position 281, G replaced by C.
Protein change: p.Cys94Ser; replaces cysteine 94 with serine.
Molecular consequence: missense variant.
Genome position (GRCh38, 1-based): chr3:8,745,692, G>C. VCF-style: chr3-8745692-G-C. GRCh37 (hg19) VCF-style: chr3-8787378-G-C.
Other names: c.281G>C, p.Cys94Ser (NM_001234.5); short protein forms C94S.
Identifiers: ClinVar variation 952867 (VCV000952867.6), dbSNP rs1708138255, ClinGen allele CA351663431.